The following is an entry in ClinVar:

NM_003901.4(SGPL1):c.964_966del (p.Leu322del)

Gene: SGPL1 (sphingosine-1-phosphate lyase 1; plus strand). Cytogenetic location: 10q22.1.
Variant type: Deletion.
Coding change: c.964_966del on transcript NM_003901.4 (MANE Select); coding-DNA positions 964 to 966, 3 bases deleted (CTC; older notation c.964_966delCTC).
Protein change: p.Leu322del; deletes leucine 322.
Molecular consequence: inframe deletion.
Genome position (GRCh38, 1-based): chr10:70,871,891-70,871,893, CTC deleted; deleting any 3 consecutive bases within chr10:70,871,889-70,871,893 gives the same sequence; the c. name uses the placement nearest the transcript's 3' end. VCF-style (leftmost placement, unchanged base first): chr10-70871888-TTCC-T. GRCh37 (hg19) VCF-style: chr10-72631645-TTCC-T.
Other names: short protein forms L322del.
Identifiers: ClinVar variation 2005532 (VCV002005532.4), dbSNP rs2492800818, ClinGen allele CA2580081787.
Genomic context (GRCh38, chr10:70,871,888, plus strand): 5'-TGGAACAAGCTGGCTGTCAAATACAAAATACCCCTTCATGTCGACGCTTGTCTGGGAGGC[TTCC>T]TCATCGTCTTTATGGAGAAAGCAGGATACCCACTGGAGCACCCATTTGATTTCCGGGTGA-3'

ClinVar aggregate classification (germline): Uncertain significance (1 of 4 stars; one submission).

Submission:

Labcorp Genetics (formerly Invitae), Labcorp
Classification: Uncertain significance. Last evaluated: 2022-06-13. Review status: criteria provided, single submitter. Criteria: Invitae Variant Classification Sherloc (09022015). Collection method: clinical testing. Allele origin: germline.
Comment: In summary, the available evidence is currently insufficient to determine the role of this variant in disease. Therefore, it has been classified as a Variant of Uncertain Significance. Experimental studies and prediction algorithms are not available or were not evaluated, and the functional significance of this variant is currently unknown. This variant has not been reported in the literature in individuals affected with SGPL1-related conditions. This variant is not present in population databases (gnomAD no frequency). This variant, c.964_966del, results in the deletion of 1 amino acid(s) of the SGPL1 protein (p.Leu322del), but otherwise preserves the integrity of the reading frame.